The following is an entry in ClinVar:

ClinVar aggregate classification (germline): Uncertain significance (1 of 4 stars; one submission).

Allele frequency attached by ClinVar (database versions not stated): TOPMed 0.00001; gnomAD 0.00002; ExAC 0.00003; gnomAD exomes 0.00003.

Submission:

Labcorp Genetics (formerly Invitae), Labcorp
Classification: Uncertain significance. Last evaluated: 2022-07-29. Review status: criteria provided, single submitter. Criteria: Invitae Variant Classification Sherloc (09022015). Collection method: clinical testing. Allele origin: germline.
Comment: This sequence change replaces arginine, which is basic and polar, with tryptophan, which is neutral and slightly polar, at codon 217 of the PLOD3 protein (p.Arg217Trp). The frequency data for this variant in the population databases is considered unreliable, as metrics indicate poor data quality at this position in the gnomAD database. This variant has not been reported in the literature in individuals affected with PLOD3-related conditions. Algorithms developed to predict the effect of missense changes on protein structure and function (SIFT, PolyPhen-2, Align-GVGD) all suggest that this variant is likely to be disruptive. Algorithms developed to predict the effect of sequence changes on RNA splicing suggest that this variant may disrupt the consensus splice site. In summary, the available evidence is currently insufficient to determine the role of this variant in disease. Therefore, it has been classified as a Variant of Uncertain Significance.

NM_001084.5(PLOD3):c.649C>T (p.Arg217Trp)

Gene: PLOD3 (procollagen-lysine,2-oxoglutarate 5-dioxygenase 3; minus strand). Cytogenetic location: 7q22.1.
Variant type: single nucleotide variant.
Coding change: c.649C>T on transcript NM_001084.5 (MANE Select); coding-DNA position 649, C replaced by T.
Protein change: p.Arg217Trp; replaces arginine 217 with tryptophan.
Molecular consequence: missense variant.
Genome position (GRCh38, 1-based): chr7:101,215,119, G>A on the plus strand (C>T on the coding strand, the complement: PLOD3 is on the minus strand). VCF-style: chr7-101215119-G-A. GRCh37 (hg19) VCF-style: chr7-100858400-G-A.
Other names: short protein forms R217W.
Identifiers: ClinVar variation 2082404 (VCV002082404.1), dbSNP rs745633525, ClinGen allele CA4408099.